The following is an entry in ClinVar:

NM_000400.4(ERCC2):c.1238G>T (p.Gly413Val)

Gene: ERCC2 (ERCC excision repair 2, TFIIH core complex helicase subunit; minus strand). Cytogenetic location: 19q13.32.
Variant type: single nucleotide variant.
Coding change: c.1238G>T on transcript NM_000400.4 (MANE Select); coding-DNA position 1238, G replaced by T.
Protein change: p.Gly413Val; replaces glycine 413 with valine.
Molecular consequence: missense variant.
Genome position (GRCh38, 1-based): chr19:45,357,699, C>A on the plus strand (G>T on the coding strand, the complement: ERCC2 is on the minus strand). VCF-style: chr19-45357699-C-A. GRCh37 (hg19) VCF-style: chr19-45860957-C-A.
Other names: short protein forms G413V.
Identifiers: ClinVar variation 929996 (VCV000929996.11), dbSNP rs1218421285, ClinGen allele CA406368312.

ClinVar aggregate classification (germline): Uncertain significance. Review status: criteria provided, multiple submitters, no conflicts (2 of 4 stars). 2 submissions from 2 submitters: Uncertain significance (2). Last evaluated 2024-02-26.

Allele frequency attached by ClinVar (database versions not stated): gnomAD 0.00001; gnomAD exomes 0.00001; TOPMed 0.00001.
gnomAD v4.1: 4 of 1,613,508 alleles (0.00025%); highest among the groups gnomAD compares: Non-Finnish European, 0.00034%; no homozygotes.

Submissions (2):

Labcorp Genetics (formerly Invitae), Labcorp
Classification: Uncertain significance. Last evaluated: 2024-02-26. Review status: criteria provided, single submitter. Criteria: Invitae Variant Classification Sherloc (09022015). Collection method: clinical testing. Allele origin: germline.
Comment: This sequence change replaces glycine, which is neutral and non-polar, with valine, which is neutral and non-polar, at codon 413 of the ERCC2 protein (p.Gly413Val). This variant is present in population databases (no rsID available, gnomAD 0.002%). This variant has not been reported in the literature in individuals affected with ERCC2-related conditions. ClinVar contains an entry for this variant (Variation ID: 929996). An algorithm developed to predict the effect of missense changes on protein structure and function (PolyPhen-2) suggests that this variant is likely to be disruptive. In summary, the available evidence is currently insufficient to determine the role of this variant in disease. Therefore, it has been classified as a Variant of Uncertain Significance.

Laboratory for Molecular Medicine, Mass General Brigham Personalized Medicine
Classification: Uncertain significance. Last evaluated: 2019-05-24. Review status: criteria provided, single submitter. Criteria: LMM Criteria. Collection method: clinical testing. Allele origin: germline. Observed: 1 variant allele.
Comment: The p.Gly413Val variant in ERCC2 has not been previously reported in individuals with xeroderma pigmentosum, but has been identified in 0.002% (2/113366) of European chromosomes in gnomAD. Computational prediction tools and conservation analyses suggest that the p.Gly413Val change may impact the protein, though this information is not predictive enough to determine pathogenicity. This variant is located in the first base of the exon, which is part of the 3â€™ splice region. Computational tools do not predict a splicing impact, though this information is not predictive enough to rule out pathogenicity. In summary, the clinical significance of this variant is uncertain. ACMG/AMP Criteria applied: PM2, PP3.